The following is an entry in ClinVar:

NM_020806.5(GPHN):c.1364A>T (p.Asp455Val)

Gene: GPHN (gephyrin; plus strand). Cytogenetic location: 14q23.3.
Variant type: single nucleotide variant.
Coding change: c.1364A>T on transcript NM_020806.5 (MANE Select); coding-DNA position 1364, A replaced by T.
Protein change: p.Asp455Val; replaces aspartic acid 455 with valine.
Molecular consequence: missense variant.
Genome position (GRCh38, 1-based): chr14:67,110,210, A>T. VCF-style: chr14-67110210-A-T. GRCh37 (hg19) VCF-style: chr14-67576927-A-T.
Other names: c.1265A>T, p.Asp422Val (NM_001024218.2); c.1424A>T, p.Asp475Val (NM_001377514.1); c.1394A>T, p.Asp465Val (NM_001377515.1); c.1385A>T, p.Asp462Val (NM_001377516.1); c.1337A>T, p.Asp446Val (NM_001377517.1); c.1322A>T, p.Asp441Val (NM_001377518.1); c.1304A>T, p.Asp435Val (NM_001377519.1); short protein forms D422V, D435V, D446V, D465V, D475V, D441V, D455V, D462V.
Identifiers: ClinVar variation 2772235 (VCV002772235.3), dbSNP rs2543380932, ClinGen allele CA390257934.

ClinVar aggregate classification (germline): Uncertain significance (1 of 4 stars; one submission).

Conditions:
Sulfite oxidase deficiency due to molybdenum cofactor deficiency type C. Also called: Molybdenum cofactor deficiency, complementation group C; Molybdenum cofactor deficiency C. Identifiers: Orphanet 308400, Orphanet 833, MedGen C1854990, MONDO:0014212, OMIM 615501.

Submission:

Labcorp Genetics (formerly Invitae), Labcorp
Classification: Uncertain significance for Sulfite oxidase deficiency due to molybdenum cofactor deficiency type C. Last evaluated: 2023-10-28. Review status: criteria provided, single submitter. Criteria: Invitae Variant Classification Sherloc (09022015). Collection method: clinical testing. Allele origin: germline.
Comment: This sequence change replaces aspartic acid, which is acidic and polar, with valine, which is neutral and non-polar, at codon 455 of the GPHN protein (p.Asp455Val). This variant is not present in population databases (gnomAD no frequency). This variant has not been reported in the literature in individuals affected with GPHN-related conditions. Advanced modeling of protein sequence and biophysical properties (such as structural, functional, and spatial information, amino acid conservation, physicochemical variation, residue mobility, and thermodynamic stability) performed at Invitae indicates that this missense variant is expected to disrupt GPHN protein function with a positive predictive value of 80%. In summary, the available evidence is currently insufficient to determine the role of this variant in disease. Therefore, it has been classified as a Variant of Uncertain Significance.